The following is an entry in ClinVar:

ClinVar aggregate classification (germline): Uncertain significance (1 of 4 stars; one submission).

Conditions:
Severe X-linked myotubular myopathy (CNMX). Also called: Myotubular myopathy, X-linked; X-linked centronuclear myopathy; MYOTUBULAR MYOPATHY 1. Identifiers: Orphanet 596, MedGen C0410203, MONDO:0010683, OMIM 310400.

Submission:

Labcorp Genetics (formerly Invitae), Labcorp
Classification: Uncertain significance for Severe X-linked myotubular myopathy. Last evaluated: 2021-03-03. Review status: criteria provided, single submitter. Criteria: Invitae Variant Classification Sherloc (09022015). Collection method: clinical testing. Allele origin: germline.
Comment: This sequence change replaces histidine with tyrosine at codon 182 of the MTM1 protein (p.His182Tyr). The histidine residue is weakly conserved and there is a moderate physicochemical difference between histidine and tyrosine. This variant is not present in population databases (ExAC no frequency). This variant has not been reported in the literature in individuals with MTM1-related conditions. Algorithms developed to predict the effect of missense changes on protein structure and function output the following: SIFT: "Tolerated"; PolyPhen-2: "Benign"; Align-GVGD: "Class C0". The tyrosine amino acid residue is found in multiple mammalian species, suggesting that this missense change does not adversely affect protein function. These predictions have not been confirmed by published functional studies and their clinical significance is uncertain. In summary, the available evidence is currently insufficient to determine the role of this variant in disease. Therefore, it has been classified as a Variant of Uncertain Significance.

NM_000252.3(MTM1):c.544C>T (p.His182Tyr)

Gene: MTM1 (myotubularin 1; plus strand). Cytogenetic location: Xq28.
Variant type: single nucleotide variant.
Coding change: c.544C>T on transcript NM_000252.3 (MANE Select); coding-DNA position 544, C replaced by T.
Protein change: p.His182Tyr; replaces histidine 182 with tyrosine.
Molecular consequence: missense variant.
Genome position (GRCh38, 1-based): chrX:150,641,284, C>T. VCF-style: chrX-150641284-C-T. GRCh37 (hg19) VCF-style: chrX-149809757-C-T.
Other names: c.544C>T, p.His182Tyr (NM_001376906.1, NM_001376908.1); c.433C>T, p.His145Tyr (NM_001376907.1); short protein forms H145Y, H182Y.
Identifiers: ClinVar variation 1469602 (VCV001469602.8), dbSNP rs2148488398, ClinGen allele CA415255977.